The following is an entry in ClinVar:

NM_001145809.2(MYH14):c.5303G>A (p.Arg1768Gln)

Gene: MYH14 (myosin heavy chain 14; plus strand). Cytogenetic location: 19q13.33.
Variant type: single nucleotide variant.
Coding change: c.5303G>A on transcript NM_001145809.2 (MANE Select); coding-DNA position 5303, G replaced by A.
Protein change: p.Arg1768Gln; replaces arginine 1768 with glutamine.
Molecular consequence: missense variant.
Genome position (GRCh38, 1-based): chr19:50,293,279, G>A. VCF-style: chr19-50293279-G-A. GRCh37 (hg19) VCF-style: chr19-50796536-G-A.
Other names: c.5204G>A, p.Arg1735Gln (NM_001077186.2); c.5180G>A, p.Arg1727Gln (NM_024729.4); short protein forms R1768Q, R1727Q, R1735Q.
Identifiers: ClinVar variation 894378 (VCV000894378.6), dbSNP rs368770587, ClinGen allele CA9593752.

ClinVar aggregate classification (germline): Uncertain significance. Review status: criteria provided, multiple submitters, no conflicts (2 of 4 stars). 3 submissions from 3 submitters: Uncertain significance (3). Last evaluated 2025-10-23.

Conditions:
Autosomal dominant nonsyndromic hearing loss 4A. Also called: Deafness, autosomal dominant 4A. Identifiers: Orphanet 90635, MedGen C1833503, MONDO:0010915, OMIM 600652.
Inborn genetic diseases. Identifiers: MedGen C0950123, MeSH D030342.

Allele frequency attached by ClinVar (database versions not stated): gnomAD 0.00003; gnomAD exomes 0.00004; TOPMed 0.00004; ESP Exome Variant Server 0.00008; ExAC 0.00010.
gnomAD v4.1: 39 of 1,609,670 alleles (0.0024%); highest among the groups gnomAD compares: Middle Eastern, 0.033%; no homozygotes.

Submissions (3):

Ambry Genetics
Classification: Uncertain significance for Inborn genetic diseases. Last evaluated: 2025-10-23. Review status: criteria provided, single submitter. Criteria: Ambry Variant Classification Scheme 2023. Collection method: clinical testing. Allele origin: germline.

Labcorp Genetics (formerly Invitae), Labcorp
Classification: Uncertain significance. Last evaluated: 2025-03-06. Review status: criteria provided, single submitter. Criteria: Invitae Variant Classification Sherloc (09022015). Collection method: clinical testing. Allele origin: germline.
Comment: This sequence change replaces arginine, which is basic and polar, with glutamine, which is neutral and polar, at codon 1727 of the MYH14 protein (p.Arg1727Gln). This variant is present in population databases (rs368770587, gnomAD 0.007%). This variant has not been reported in the literature in individuals affected with MYH14-related conditions. ClinVar contains an entry for this variant (Variation ID: 894378). Invitae Evidence Modeling of protein sequence and biophysical properties (such as structural, functional, and spatial information, amino acid conservation, physicochemical variation, residue mobility, and thermodynamic stability) indicates that this missense variant is not expected to disrupt MYH14 protein function with a negative predictive value of 80%. In summary, the available evidence is currently insufficient to determine the role of this variant in disease. Therefore, it has been classified as a Variant of Uncertain Significance.

Illumina Laboratory Services, Illumina
Classification: Uncertain significance for Autosomal dominant nonsyndromic hearing loss 4A. Last evaluated: 2018-01-12. Review status: criteria provided, single submitter. Criteria: ICSL Variant Classification Criteria 13 December 2019. Collection method: clinical testing. Allele origin: germline.